The following is an entry in ClinVar:

NM_000116.5(TAFAZZIN):c.308G>A (p.Cys103Tyr)

Gene: TAFAZZIN (tafazzin, phospholipid-lysophospholipid transacylase; plus strand). Cytogenetic location: Xq28.
Variant type: single nucleotide variant.
Coding change: c.308G>A on transcript NM_000116.5 (MANE Select); coding-DNA position 308, G replaced by A.
Protein change: p.Cys103Tyr; replaces cysteine 103 with tyrosine.
Molecular consequence: missense variant. On other transcripts: non-coding transcript variant (1).
Genome position (GRCh38, 1-based): chrX:154,413,505, G>A. VCF-style: chrX-154413505-G-A. GRCh37 (hg19) VCF-style: chrX-153641842-G-A.
Other names: c.362G>A, p.Cys121Tyr (NM_001303465.2, NM_001410698.1); c.308G>A, p.Cys103Tyr (NM_181311.4, NM_181312.4, NM_181313.4); short protein forms C103Y, C121Y.
Identifiers: ClinVar variation 1974084 (VCV001974084.5), dbSNP rs2522942035, ClinGen allele CA415181081.

ClinVar aggregate classification (germline): Uncertain significance (1 of 4 stars; one submission).

Conditions:
3-Methylglutaconic aciduria type 2 (BTHS). Also called: Barth syndrome; CARDIOSKELETAL MYOPATHY WITH NEUTROPENIA AND ABNORMAL MITOCHONDRIA. Identifiers: Orphanet 111, MedGen C0574083, MONDO:0010543, OMIM 302060.

Submission:

Labcorp Genetics (formerly Invitae), Labcorp
Classification: Uncertain significance for 3-Methylglutaconic aciduria type 2. Last evaluated: 2021-10-10. Review status: criteria provided, single submitter. Criteria: Invitae Variant Classification Sherloc (09022015). Collection method: clinical testing. Allele origin: germline.
Comment: This variant has not been reported in the literature in individuals affected with TAZ-related conditions. This variant is not present in population databases (ExAC no frequency). This sequence change replaces cysteine with tyrosine at codon 103 of the TAZ protein (p.Cys103Tyr). The cysteine residue is highly conserved and there is a large physicochemical difference between cysteine and tyrosine. Algorithms developed to predict the effect of missense changes on protein structure and function are either unavailable or do not agree on the potential impact of this missense change (SIFT: "Not Available"; PolyPhen-2: "Probably Damaging"; Align-GVGD: "Not Available"). In summary, the available evidence is currently insufficient to determine the role of this variant in disease. Therefore, it has been classified as a Variant of Uncertain Significance.